The following is an entry in ClinVar:

NM_000492.4(CFTR):c.489+8T>C

Gene: CFTR (CF transmembrane conductance regulator; plus strand). Cytogenetic location: 7q31.2.
Variant type: single nucleotide variant.
Coding change: c.489+8T>C on transcript NM_000492.4 (MANE Select); 8 bases into the intron after coding-DNA position 489, T replaced by C.
Molecular consequence: intron variant.
Genome position (GRCh38, 1-based): chr7:117,531,122, T>C. VCF-style: chr7-117531122-T-C. GRCh37 (hg19) VCF-style: chr7-117171176-T-C.
Identifiers: ClinVar variation 179210 (VCV000179210.17), dbSNP rs727504712, ClinGen allele CA183960.

ClinVar aggregate classification (germline): Likely benign. Review status: criteria provided, multiple submitters, no conflicts (2 of 4 stars). 5 submissions from 5 submitters: Likely benign (4). 1 of the submissions does not count toward it. Last evaluated 2026-02-03.

Conditions:
Cystic fibrosis (CF). Also called: MUCOVISCIDOSIS. Identifiers: Orphanet 586, MedGen C0010674, MONDO:0009061, OMIM 219700. Disease mechanism: loss of function.

Allele frequency attached by ClinVar (database versions not stated): TOPMed 0.00003.
gnomAD v4.1: 6 of 1,592,996 alleles (0.00038%); highest among the groups gnomAD compares: Admixed American, 0.0084%; no homozygotes.

Submissions (5):

Labcorp Genetics (formerly Invitae), Labcorp
Classification: Likely benign for Cystic fibrosis. Last evaluated: 2026-02-03. Review status: criteria provided, single submitter. Criteria: Invitae Variant Classification Sherloc (09022015). Collection method: clinical testing. Allele origin: germline.

Women's Health and Genetics/Laboratory Corporation of America, LabCorp
Classification: Likely benign. Last evaluated: 2025-04-21. Review status: criteria provided, single submitter. Criteria: LabCorp Variant Classification Summary - May 2015. Collection method: clinical testing. Allele origin: germline.

Ambry Genetics
Classification: Likely benign for Cystic fibrosis. Last evaluated: 2023-12-09. Review status: criteria provided, single submitter. Criteria: Ambry Variant Classification Scheme 2023. Collection method: clinical testing. Allele origin: germline.

Laboratory for Molecular Medicine, Mass General Brigham Personalized Medicine
Classification: Likely benign. Last evaluated: 2013-09-27. Review status: criteria provided, single submitter. Criteria: LMM Criteria. Collection method: clinical testing. Allele origin: germline. Observed: 1 variant allele.
Comment: 489+8T>C in intron 4 of CFTR: This variant is not expected to have clinical sig nificance because it is not located within the splice consensus sequence.

Counsyl
Classification: Likely benign for Cystic fibrosis. Last evaluated: 2017-09-28. Review status: no assertion criteria provided. Collection method: clinical testing. Allele origin: unknown. Not counted in ClinVar's aggregate classification.